The following is an entry in ClinVar:

NM_001370785.2(LRRC7):c.3935T>C (p.Leu1312Pro)

Genes: LRRC7 (leucine rich repeat containing 7; plus strand), LRRC7-AS1 (LRRC7 antisense RNA 1; minus strand). Cytogenetic location: 1p31.1.
Variant type: single nucleotide variant.
Coding change: c.3935T>C on transcript NM_001370785.2 (MANE Select); coding-DNA position 3935, T replaced by C.
Protein change: p.Leu1312Pro; replaces leucine 1312 with proline.
Molecular consequence: missense variant.
Genome position (GRCh38, 1-based): chr1:70,039,759, T>C. VCF-style: chr1-70039759-T-C. GRCh37 (hg19) VCF-style: chr1-70505442-T-C.
Other names: NM_020794.2:c.3821T>C; c.3836T>C, p.Leu1279Pro (NM_001330635.3, NM_001366841.1); c.3938T>C, p.Leu1313Pro (NM_001350216.3); c.3935T>C, p.Leu1312Pro (NM_001366838.3); c.3776T>C, p.Leu1259Pro (NM_001366839.3); short protein forms L1312P, L1313P, L1259P, L1279P.
Identifiers: ClinVar variation 5008612 (VCV005008612.1).

ClinVar aggregate classification (germline): Uncertain significance (1 of 4 stars; one submission).

Submission:

GeneDx
Classification: Uncertain significance. Last evaluated: 2026-03-12. Review status: criteria provided, single submitter. Criteria: GeneDx Variant Classification Process June 2021. Collection method: clinical testing. Allele origin: germline.
Comment: Not observed at significant frequency in large population cohorts (gnomAD); In silico analysis supports that this missense variant has a deleterious effect on protein structure/function; Has not been previously published as pathogenic or benign to our knowledge